The following is an entry in ClinVar:

NM_001267550.2(TTN):c.76047T>C (p.Ile25349=)

Genes: TTN-AS1 (TTN antisense RNA 1; plus strand), TTN (titin; minus strand). Cytogenetic location: 2q31.2.
Variant type: single nucleotide variant.
Coding change: c.76047T>C on transcript NM_001267550.2 (MANE Select); coding-DNA position 76047, T replaced by C.
Protein change: p.Ile25349=; no amino-acid change (isoleucine 25349 retained).
Molecular consequence: synonymous variant.
Genome position (GRCh38, 1-based): chr2:178,570,085, A>G on the plus strand (T>C on the coding strand, the complement: TTN is on the minus strand). VCF-style: chr2-178570085-A-G. GRCh37 (hg19) VCF-style: chr2-179434812-A-G.
Other names: c.71124T>C, p.Ile23708= (NM_001256850.1); c.48852T>C, p.Ile16284= (NM_003319.4); c.68343T>C, p.Ile22781= (NM_133378.4); c.49227T>C, p.Ile16409= (NM_133432.3); c.49428T>C, p.Ile16476= (NM_133437.4).
Identifiers: ClinVar variation 1084327 (VCV001084327.12), dbSNP rs369320393, ClinGen allele CA1989960.

ClinVar aggregate classification (germline): Likely benign. Review status: criteria provided, multiple submitters, no conflicts (2 of 4 stars). 4 submissions from 4 submitters: Likely benign (3). 1 of the submissions does not count toward it. Last evaluated 2026-01-10.

Conditions:
TTN-related disorder. Also called: TTN-related disorders; TTN-related condition; TTN-related disease.
Cardiovascular phenotype. Identifiers: MedGen CN230736.
Dilated cardiomyopathy 1G (CMD1G). Identifiers: Orphanet 154, MedGen C1858763, MONDO:0011400, OMIM 604145.
Autosomal recessive limb-girdle muscular dystrophy type 2J (LGMDR10). Also called: Limb-girdle muscular dystrophy, type 2J; MUSCULAR DYSTROPHY, LIMB-GIRDLE, AUTOSOMAL RECESSIVE 10. Identifiers: Orphanet 140922, MedGen C1837342, MONDO:0012127, OMIM 608807.

Allele frequency attached by ClinVar (database versions not stated): gnomAD exomes 0.00001 and 0.00002; ExAC 0.00002; ESP Exome Variant Server 0.00008; TOPMed 0.00008; gnomAD 0.00009 and 0.00010.
gnomAD v4.1: 23 of 1,613,288 alleles (0.0014%); highest among the groups gnomAD compares: African/African-American, 0.029%; no homozygotes.

Submissions (4):

Labcorp Genetics (formerly Invitae), Labcorp
Classification: Likely benign for Dilated cardiomyopathy 1G; Autosomal recessive limb-girdle muscular dystrophy type 2J. Last evaluated: 2026-01-10. Review status: criteria provided, single submitter. Criteria: Invitae Variant Classification Sherloc (09022015). Collection method: clinical testing. Allele origin: germline.

Women's Health and Genetics/Laboratory Corporation of America, LabCorp
Classification: Likely benign. Last evaluated: 2023-05-06. Review status: criteria provided, single submitter. Criteria: LabCorp Variant Classification Summary - May 2015. Collection method: clinical testing. Allele origin: germline.

Ambry Genetics
Classification: Likely benign for Cardiovascular phenotype. Last evaluated: 2022-12-11. Review status: criteria provided, single submitter. Criteria: Ambry Variant Classification Scheme 2023. Collection method: clinical testing. Allele origin: germline.

PreventionGenetics, part of Exact Sciences
Classification: Likely benign for TTN-related condition. Last evaluated: 2024-07-09. Review status: no assertion criteria provided. Collection method: clinical testing. Allele origin: germline. Not counted in ClinVar's aggregate classification.
Comment: This variant is classified as likely benign based on ACMG/AMP sequence variant interpretation guidelines (Richards et al. 2015 PMID: 25741868, with internal and published modifications).